The following is an entry in ClinVar:

NM_005360.5(MAF):c.618G>A (p.Ala206=)

Gene: MAF (MAF bZIP transcription factor; minus strand). Cytogenetic location: 16q23.2.
Variant type: single nucleotide variant.
Coding change: c.618G>A on transcript NM_005360.5 (MANE Select); coding-DNA position 618, G replaced by A.
Protein change: p.Ala206=; no amino-acid change (alanine 206 retained).
Molecular consequence: synonymous variant.
Genome position (GRCh38, 1-based): chr16:79,599,285, C>T on the plus strand (G>A on the coding strand, the complement: MAF is on the minus strand). VCF-style: chr16-79599285-C-T. GRCh37 (hg19) VCF-style: chr16-79633182-C-T.
Other names: c.618G>A, p.Ala206= (NM_001031804.3).
Identifiers: ClinVar variation 4931445 (VCV004931445.2).
Genomic context (GRCh38, chr16:79,599,285, plus strand): 5'-GCCCCCAGCGCTGGCCGGGCCACCGCCGCCCGCGCCCCCAGCGCCACCGGCCGAGGCGGC[C>T]GCGCTGCCCGCGGCGCCGGGCGCGCCGGCCGTCGGGTGGTGGTGGTGGCCGGCGGCGTGG-3'
Protein context (NP_005351.2, residues 196-216): TAGAPGAAGS[Ala206=]AASAGGAGGA

ClinVar aggregate classification (germline): Likely benign. Review status: criteria provided, multiple submitters, no conflicts (2 of 4 stars). 2 submissions from 2 submitters: Likely benign (2). Last evaluated 2026-08-01.

gnomAD v4.1: 17 of 979,146 alleles (0.0017%); highest among the groups gnomAD compares: Admixed American, 0.019%; no homozygotes.

Submissions (2):

CeGaT Center for Human Genetics Tuebingen
Classification: Likely benign. Last evaluated: 2026-08-01. Review status: criteria provided, single submitter. Criteria: CeGaT Center For Human Genetics Tuebingen Variant Classification Criteria Version 2. Collection method: clinical testing. Allele origin: germline. Affected: yes. Observed: 1 variant allele.
Comment: MAF: BP4, BP7

Blueprint Genetics
Classification: Likely benign. Last evaluated: 2024-05-03. Review status: criteria provided, single submitter. Criteria: ACMG Guidelines, 2015. Collection method: clinical testing. Allele origin: germline.